The following is an entry in ClinVar:

ClinVar aggregate classification (germline): Pathogenic (1 of 4 stars; one submission).

Conditions:
Fanconi anemia (FA). Also called: Fanconi's anemia. Identifiers: Orphanet 84, MedGen C0015625, MeSH D005199, MONDO:0019391.

Submission:

Labcorp Genetics (formerly Invitae), Labcorp
Classification: Pathogenic for Fanconi anemia. Last evaluated: 2023-09-17. Review status: criteria provided, single submitter. Criteria: Invitae Variant Classification Sherloc (09022015). Collection method: clinical testing. Allele origin: unknown.
Comment: This variant is a gross deletion of the genomic region encompassing exon(s) 1-17 of the FANCA gene, which includes the initiator codon. This deletion extends beyond the assayed region for this gene and therefore may encompass additional genes. It is expected to result in an absent or disrupted protein product. Loss-of-function variants in FANCA are known to be pathogenic (PMID: 19367192). A similar copy number variant has been observed in individual(s) with Fanconi anemia (PMID: 29098742). For these reasons, this variant has been classified as Pathogenic.

Literature cited by the submitters: PubMed 19367192; PubMed 29098742.

NC_000016.9:g.(?_89849257)_(89883024_?)del

Gene: FANCA (FA complementation group A; minus strand). Cytogenetic location: 16q24.3.
Variant type: Deletion.
Identifiers: ClinVar variation 3243234 (VCV003243234.1).